The following is an entry in ClinVar:

ClinVar aggregate classification (germline): Likely pathogenic (1 of 4 stars; one submission).

Conditions:
Primary dilated cardiomyopathy (DCM). Also called: Dilated Cardiomyopathy. Identifiers: Orphanet 217604, MedGen C0007193, MeSH D002311, MONDO:0005021, HP:0001644. Inheritance: Various modes of inheritance.

Submission:

Laboratory for Molecular Medicine, Mass General Brigham Personalized Medicine
Classification: Likely pathogenic for Primary dilated cardiomyopathy. Last evaluated: 2015-05-20. Review status: criteria provided, single submitter. Criteria: LMM Criteria. Collection method: clinical testing. Allele origin: germline. Inheritance: Autosomal dominant inheritance. Observed: 2 variant alleles.
Comment: It was absent from l arge population studies. This variant is predicted to cause a frameshift, which alters the protein?s amino acid sequence beginning at position 23240 and leads t o a premature termination codon 19 amino acids downstream. This alteration is th en predicted to lead to a truncated or absent protein. Frameshift and other trun cating variants in TTN are strongly associated with DCM if they are located in t he exons encoding for the A-band (Herman 2012, Pugh 2014) and/or are located in an exon that is highly expressed in the heart (Roberts 2015). The p.Ser23240fs v ariant is located in A-band in the highly expressed exon 275. In summary, althou gh additional studies are required to fully establish its clinical significance, the p.Ser23240fs variant is likely pathogenic.

Literature cited by the submitters: PubMed 24503780.

NM_003319.4(TTN):c.50226dup (p.Ser16743fs)

Genes: TTN (titin; minus strand), TTN-AS1 (TTN antisense RNA 1; plus strand). Cytogenetic location: 2q31.2.
Variant type: Duplication.
Coding change: c.50226dup on transcript NM_003319.4; coding-DNA position 50226, one base duplicated (C; older notation c.50226dupC).
Protein change: p.Ser16743fs; shifts the reading frame from serine 16743.
Molecular consequence: frameshift variant (on NM_133378.4).
Genome position (GRCh38, 1-based): chr2:178,568,711, G duplicated on the plus strand (C on the coding strand, the reverse complement: TTN is on the minus strand). VCF-style (leftmost placement, unchanged base first): chr2-178568710-T-TG. GRCh37 (hg19) VCF-style: chr2-179433437-T-TG.
Other names: NM_133378.4:c.69717dupC; p.Ser23240GlnfsX19; c.69717_69718insC (NM_133378.4); c.72498dup, p.Ser24167fs (NM_001256850.1); c.77421dup, p.Ser25808fs (NM_001267550.2); c.69717dup, p.Ser23240fs (NM_133378.4); c.50601dup, p.Ser16868fs (NM_133432.3); c.50802dup, p.Ser16935fs (NM_133437.4); short protein forms S16868fs, S16935fs, S23240fs, S25808fs, S24167fs, S16743fs.
Identifiers: ClinVar variation 177983 (VCV000177983.5), dbSNP rs730880343, ClinGen allele CA273537.